The following is an entry in ClinVar:

ClinVar aggregate classification (germline): Conflicting classifications of pathogenicity. Review status: criteria provided, conflicting classifications (1 of 4 stars). 10 submissions from 10 submitters: Uncertain significance (2); Benign (2); Likely benign (6). Last evaluated 2026-01-14.

Conditions:
Hereditary cancer-predisposing syndrome. Also called: Neoplastic Syndromes, Hereditary; Tumor predisposition; Hereditary Cancer Syndrome; Hereditary neoplastic syndrome. Identifiers: Orphanet 140162, MedGen C0027672, MeSH D009386, MONDO:0015356.
Tuberous sclerosis syndrome (TSC). Also called: Tuberous Sclerosis Complex; Tuberous sclerosis. Identifiers: Orphanet 805, MedGen C0041341, MONDO:0001734.
Tuberous sclerosis 1 (TSC1). Identifiers: Orphanet 805, MedGen C1854465, MONDO:0008612, OMIM 191100.

Allele frequency attached by ClinVar (database versions not stated): gnomAD exomes 0.00001; ExAC 0.00002; gnomAD 0.00004 and 0.00005; TOPMed 0.00005; ESP Exome Variant Server 0.00008.
gnomAD v4.1: 10 of 1,614,100 alleles (0.00062%); highest among the groups gnomAD compares: African/African-American, 0.013%; no homozygotes.

Submissions (10):

Labcorp Genetics (formerly Invitae), Labcorp
Classification: Benign for Tuberous sclerosis 1. Last evaluated: 2026-01-14. Review status: criteria provided, single submitter. Criteria: Invitae Variant Classification Sherloc (09022015). Collection method: clinical testing. Allele origin: germline.

All of Us Research Program, National Institutes of Health
Classification: Likely benign for Tuberous sclerosis syndrome. Last evaluated: 2024-09-11. Review status: criteria provided, single submitter. Criteria: ACMG Guidelines, 2015. Collection method: clinical testing. Allele origin: germline. Inheritance: Autosomal dominant inheritance. Observed: 5 variant alleles, 5 heterozygotes.
Comment: This study involves interpretation of variants in research participants for the purpose of population health screening. Participant phenotype was not available at the time of variant classification. Additional details can be found in publication PMID: 35346344, PMCID: PMC8962531

Myriad Genetics, Inc.
Classification: Likely benign for Tuberous sclerosis 1. Last evaluated: 2024-08-27. Review status: criteria provided, single submitter. Criteria: Myriad Autosomal Dominant, Autosomal Recessive and X-Linked Classification Criteria (2023). Collection method: clinical testing. Allele origin: unknown.
Comment: This variant is considered likely benign. This variant has been observed at a population frequency that is significantly greater than expected given the associated disease prevalence and penetrance.

Quest Diagnostics Nichols Institute San Juan Capistrano
Classification: Uncertain significance. Last evaluated: 2024-05-10. Review status: criteria provided, single submitter. Criteria: Quest Diagnostics criteria. Collection method: clinical testing. Allele origin: unknown.

Women's Health and Genetics/Laboratory Corporation of America, LabCorp
Classification: Uncertain significance. Last evaluated: 2023-02-23. Review status: criteria provided, single submitter. Criteria: LabCorp Variant Classification Summary - May 2015. Collection method: clinical testing. Allele origin: germline.
Comment: Variant summary: TSC1 c.857C>G (p.Pro286Arg) results in a non-conservative amino acid change in the encoded protein sequence. Three of five in-silico tools predict a benign effect of the variant on protein function. The variant allele was found at a frequency of 1.2e-05 in 251380 control chromosomes. The available data on variant occurrences in the general population are insufficient to allow any conclusion about variant significance. To our knowledge, no occurrence of c.857C>G in individuals affected with Tuberous Sclerosis Complex and no experimental evidence demonstrating its impact on protein function have been reported. Three ClinVar submitters (evaluation after 2014) cite the variant as benign/likely benign and one ClinVar submitter (evaluation after 2014) cites it as uncertain significance. Based on the evidence outlined above, the variant was classified as uncertain significance.

Ambry Genetics
Classification: Benign for Hereditary cancer-predisposing syndrome. Last evaluated: 2022-12-06. Review status: criteria provided, single submitter. Criteria: Ambry Variant Classification Scheme 2023. Collection method: clinical testing. Allele origin: germline.

Blueprint Genetics
Classification: Likely benign. Last evaluated: 2022-08-02. Review status: criteria provided, single submitter. Criteria: ACMG Guidelines, 2015. Collection method: clinical testing. Allele origin: germline.

Color Diagnostics, LLC DBA Color Health
Classification: Likely benign for Tuberous sclerosis syndrome. Last evaluated: 2022-05-26. Review status: criteria provided, single submitter. Criteria: ACMG Guidelines, 2015. Collection method: clinical testing. Allele origin: germline.

Genome-Nilou Lab
Classification: Likely benign for Tuberous sclerosis 1. Last evaluated: 2021-11-07. Review status: criteria provided, single submitter. Criteria: ACMG Guidelines, 2015. Collection method: clinical testing. Allele origin: germline. Affected: no.

GeneDx
Classification: Likely benign. Last evaluated: 2020-09-21. Review status: criteria provided, single submitter. Criteria: GeneDx Variant Classification Process June 2021. Collection method: clinical testing. Allele origin: germline. Affected: yes.

NM_000368.5(TSC1):c.857C>G (p.Pro286Arg)

Gene: TSC1 (TSC complex subunit 1; minus strand). Cytogenetic location: 9q34.13.
Variant type: single nucleotide variant.
Coding change: c.857C>G on transcript NM_000368.5 (MANE Select); coding-DNA position 857, C replaced by G.
Protein change: p.Pro286Arg; replaces proline 286 with arginine.
Molecular consequence: missense variant.
Genome position (GRCh38, 1-based): chr9:132,912,338, G>C on the plus strand (C>G on the coding strand, the complement: TSC1 is on the minus strand). VCF-style: chr9-132912338-G-C. GRCh37 (hg19) VCF-style: chr9-135787725-G-C.
Other names: c.857C>G, p.Pro286Arg (NM_001162426.2); c.704C>G, p.Pro235Arg (NM_001162427.2); c.494C>G, p.Pro165Arg (NM_001362177.2); short protein forms P286R, P165R, P235R.
Identifiers: ClinVar variation 411277 (VCV000411277.27), dbSNP rs375144225, ClinGen allele CA039224.